The following is an entry in ClinVar:

ClinVar aggregate classification (germline): Uncertain significance (1 of 4 stars; one submission).

Conditions:
Cardiovascular phenotype. Identifiers: MedGen CN230736.

Allele frequency attached by ClinVar (database versions not stated): TOPMed below 0.00001.

Submission:

Ambry Genetics
Classification: Uncertain significance for Cardiovascular phenotype. Last evaluated: 2023-06-18. Review status: criteria provided, single submitter. Criteria: Ambry Variant Classification Scheme 2023. Collection method: clinical testing. Allele origin: germline.
Comment: The p.D68G variant (also known as c.203A>G), located in coding exon 2 of the LCAT gene, results from an A to G substitution at nucleotide position 203. The aspartic acid at codon 68 is replaced by glycine, an amino acid with similar properties. This amino acid position is conserved. In addition, this alteration is predicted to be tolerated by in silico analysis. Since supporting evidence is limited at this time, the clinical significance of this alteration remains unclear.

NM_000229.2(LCAT):c.203A>G (p.Asp68Gly)

Gene: LCAT (lecithin-cholesterol acyltransferase; minus strand). Cytogenetic location: 16q22.1.
Variant type: single nucleotide variant.
Coding change: c.203A>G on transcript NM_000229.2 (MANE Select); coding-DNA position 203, A replaced by G.
Protein change: p.Asp68Gly; replaces aspartic acid 68 with glycine.
Molecular consequence: missense variant.
Genome position (GRCh38, 1-based): chr16:67,943,164, T>C on the plus strand (A>G on the coding strand, the complement: LCAT is on the minus strand). VCF-style: chr16-67943164-T-C. GRCh37 (hg19) VCF-style: chr16-67977067-T-C.
Other names: short protein forms D68G.
Identifiers: ClinVar variation 2587099 (VCV002587099.2), dbSNP rs2058302402, ClinGen allele CA396381983.